The following is an entry in ClinVar:

NM_004463.3(FGD1):c.281A>G (p.His94Arg)

Gene: FGD1 (FYVE, RhoGEF and PH domain containing 1; minus strand). Cytogenetic location: Xp11.22.
Variant type: single nucleotide variant.
Coding change: c.281A>G on transcript NM_004463.3 (MANE Select); coding-DNA position 281, A replaced by G.
Protein change: p.His94Arg; replaces histidine 94 with arginine.
Molecular consequence: missense variant.
Genome position (GRCh38, 1-based): chrX:54,495,152, T>C on the plus strand (A>G on the coding strand, the complement: FGD1 is on the minus strand). VCF-style: chrX-54495152-T-C. GRCh37 (hg19) VCF-style: chrX-54521585-T-C.
Other names: c.281A>G (NM_004463.2); short protein forms H94R.
Identifiers: ClinVar variation 167064 (VCV000167064.15), dbSNP rs189159946, ClinGen allele CA233986.
Genomic context (GRCh38, chrX:54,495,152, plus strand): 5'-CCGGGCTCCCATGCTCTCTCAGTCGCTCACTCACCAGGCCGAGGCTGCGAGCCCTCCAGG[T>C]GGTAAGAGAAGCGCAGGGCCCGGTGGTGCTGTGGACTGGGACCGCAGGGCAAGACCCGGT-3'
Protein context (NP_004454.2, residues 84-104): QHHRALRFSY[His94Arg]LEGSQPRPGL

ClinVar aggregate classification (germline): Conflicting classifications of pathogenicity. Review status: criteria provided, conflicting classifications (1 of 4 stars). 5 submissions from 5 submitters: Uncertain significance (1); Benign (1); Likely benign (2). 1 of the submissions does not count toward it. Last evaluated 2026-02-01.

Conditions:
FGD1-related disorder. Also called: FGD1-related disorders; FGD1-related condition.
Inborn genetic diseases. Identifiers: MedGen C0950123, MeSH D030342.

Allele frequency attached by ClinVar (database versions not stated): 1000 Genomes Project 0.00079; ExAC 0.00011; gnomAD exomes 0.00022 and 0.00004; gnomAD 0.00043 and 0.00040; 1000 Genomes Project 30x 0.00125; TOPMed 0.00048.

Submissions (5):

CeGaT Center for Human Genetics Tuebingen
Classification: Likely benign. Last evaluated: 2026-02-01. Review status: criteria provided, single submitter. Criteria: CeGaT Center For Human Genetics Tuebingen Variant Classification Criteria Version 2. Collection method: clinical testing. Allele origin: germline. Affected: yes. Observed: 2 variant alleles.
Comment: FGD1: BS2

Ambry Genetics
Classification: Likely benign for Inborn genetic diseases. Last evaluated: 2026-01-26. Review status: criteria provided, single submitter. Criteria: Ambry Variant Classification Scheme 2023. Collection method: clinical testing. Allele origin: germline.

Labcorp Genetics (formerly Invitae), Labcorp
Classification: Benign. Last evaluated: 2025-12-05. Review status: criteria provided, single submitter. Criteria: Invitae Variant Classification Sherloc (09022015). Collection method: clinical testing. Allele origin: germline.

Eurofins Ntd Llc (ga)
Classification: Uncertain significance. Last evaluated: 2013-12-23. Review status: criteria provided, single submitter. Criteria: EGL Classification Definitions 2015. Collection method: clinical testing. Allele origin: germline. Observed: 1 variant allele, 1 hemizygote.

PreventionGenetics, part of Exact Sciences
Classification: Likely benign for FGD1-related condition. Last evaluated: 2022-02-07. Review status: no assertion criteria provided. Collection method: clinical testing. Allele origin: germline. Not counted in ClinVar's aggregate classification.
Comment: This variant is classified as likely benign based on ACMG/AMP sequence variant interpretation guidelines (Richards et al. 2015 PMID: 25741868, with internal and published modifications).